The following is an entry in ClinVar:

NM_002857.4(PEX19):c.754C>A (p.Leu252Met)

Gene: PEX19 (peroxisomal biogenesis factor 19; minus strand). Cytogenetic location: 1q23.2.
Variant type: single nucleotide variant.
Coding change: c.754C>A on transcript NM_002857.4 (MANE Select); coding-DNA position 754, C replaced by A.
Protein change: p.Leu252Met; replaces leucine 252 with methionine.
Molecular consequence: missense variant. On other transcripts: non-coding transcript variant (2).
Genome position (GRCh38, 1-based): chr1:160,280,087, G>T on the plus strand (C>A on the coding strand, the complement: PEX19 is on the minus strand). VCF-style: chr1-160280087-G-T. GRCh37 (hg19) VCF-style: chr1-160249877-G-T.
Other names: c.754C>A, p.Leu252Met (NM_001193644.1); short protein forms L252M.
Identifiers: ClinVar variation 1986579 (VCV001986579.4), dbSNP rs769748135, ClinGen allele CA1197265.
Genomic context (GRCh38, chr1:160,280,087, plus strand): 5'-CCTAAGTGGACAGCACCAGTGGGCAGAAGGCAAGAGGCCTTACCTGCTGCATAAGATCCA[G>T]CACCATCTCAAAACGAGCCTTTTGAGTGGTTTCACTGTCTGTGGGGGTCTCTGCCTCAAA-3'
Protein context (NP_002848.1, residues 242-262): TTQKARFEMV[Leu252Met]DLMQQLQDLG

ClinVar aggregate classification (germline): Uncertain significance (1 of 4 stars; one submission).

Conditions:
Peroxisome biogenesis disorder 12A (Zellweger). Also called: Peroxisome biogenesis disorder 12A. Identifiers: Orphanet 912, MedGen C3554002, MONDO:0013951, OMIM 614886.

Allele frequency attached by ClinVar (database versions not stated): gnomAD exomes below 0.00001; ExAC 0.00001.
gnomAD v4.1: 5 of 1,613,758 alleles (0.00031%); highest among the groups gnomAD compares: Non-Finnish European, 0.00042%; no homozygotes.

Submission:

Labcorp Genetics (formerly Invitae), Labcorp
Classification: Uncertain significance for Peroxisome biogenesis disorder 12A (Zellweger). Last evaluated: 2022-09-06. Review status: criteria provided, single submitter. Criteria: Invitae Variant Classification Sherloc (09022015). Collection method: clinical testing. Allele origin: germline.
Comment: In summary, the available evidence is currently insufficient to determine the role of this variant in disease. Therefore, it has been classified as a Variant of Uncertain Significance. Algorithms developed to predict the effect of missense changes on protein structure and function (SIFT, PolyPhen-2, Align-GVGD) all suggest that this variant is likely to be tolerated. This variant has not been reported in the literature in individuals affected with PEX19-related conditions. This variant is present in population databases (rs769748135, gnomAD 0.0009%). This sequence change replaces leucine, which is neutral and non-polar, with methionine, which is neutral and non-polar, at codon 252 of the PEX19 protein (p.Leu252Met).